The following is an entry in ClinVar:

ClinVar aggregate classification (germline): Pathogenic (1 of 4 stars; one submission).

Conditions:
Familial adenomatous polyposis 1 (FAP1). Also called: FAMILIAL ADENOMATOUS POLYPOSIS 1, ATTENUATED; POLYPOSIS, ADENOMATOUS INTESTINAL. Identifiers: MedGen C2713442, MONDO:0021056, OMIM 175100. Disease mechanism: loss of function.

Submission:

Myriad Genetics, Inc.
Classification: Pathogenic for Familial adenomatous polyposis 1. Last evaluated: 2023-05-08. Review status: criteria provided, single submitter. Criteria: Myriad Autosomal Dominant, Autosomal Recessive and X-Linked Classification Criteria (2023). Collection method: clinical testing. Allele origin: unknown.
Comment: This variant is considered pathogenic. This variant creates a frameshift predicted to result in premature protein truncation.

NM_000038.6(APC):c.3196dup (p.Arg1066fs)

Gene: APC (APC regulator of Wnt signaling pathway; plus strand). Cytogenetic location: 5q22.2.
Variant type: Duplication.
Coding change: c.3196dup on transcript NM_000038.6 (MANE Select); coding-DNA position 3196, one base duplicated (A; older notation c.3196dupA).
Protein change: p.Arg1066fs; shifts the reading frame from arginine 1066.
Molecular consequence: frameshift variant. On other transcripts: non-coding transcript variant (2).
Genome position (GRCh38, 1-based): chr5:112,838,790, A duplicated; the last of 3 consecutive A bases (chr5:112,838,788-112,838,790); duplicating any one gives the same sequence. VCF-style (leftmost placement, unchanged base first): chr5-112838787-C-CA. GRCh37 (hg19) VCF-style: chr5-112174484-C-CA.
Other names: c.3196dup, p.Arg1066fs (NM_001127510.3, NM_001354895.2, NM_001407450.1); c.3142dup, p.Arg1048fs (NM_001127511.3); c.3250dup, p.Arg1084fs (NM_001354896.2, NM_001407447.1, NM_001407448.1 and 1 more transcripts); c.3226dup, p.Arg1076fs (NM_001354897.2); c.3121dup, p.Arg1041fs (NM_001354898.2); c.3112dup, p.Arg1038fs (NM_001354899.2); c.3073dup, p.Arg1025fs (NM_001354900.2); c.3019dup, p.Arg1007fs (NM_001354901.2, NM_001407453.1); and 11 more; short protein forms R1007fs, R1025fs, R1038fs, R1041fs, R1048fs, R1056fs, R1059fs, R1066fs.
Identifiers: ClinVar variation 2584189 (VCV002584189.1), dbSNP rs878853436, ClinGen allele CA2582341492.
Genomic context (GRCh38, chr5:112,838,787, plus strand): 5'-CAGAATGAAAGATGGGCAAGACCCAAACACATAATAGAAGATGAAATAAAACAAAGTGAG[C>CA]AAAGACAATCAAGGAATCAAAGTACAACTTATCCTGTTTATACTGAGAGCACTGATGATA-3'